The following is an entry in ClinVar:

NM_007046.4(EMILIN1):c.-3G>A

Gene: EMILIN1 (elastin microfibril interfacer 1; plus strand). Cytogenetic location: 2p23.3.
Variant type: single nucleotide variant.
Coding change: c.-3G>A on transcript NM_007046.4 (MANE Select); 3 bases upstream of the start codon, G replaced by A.
Molecular consequence: 5 prime UTR variant.
Genome position (GRCh38, 1-based): chr2:27,079,063, G>A. VCF-style: chr2-27079063-G-A. GRCh37 (hg19) VCF-style: chr2-27301931-G-A.
Identifiers: ClinVar variation 3048837 (VCV003048837.2), dbSNP rs202187885, ClinGen allele CA1568364.

ClinVar aggregate classification (germline): Benign (0 of 4 stars; one submission).

Conditions:
EMILIN1-related disorder. Also called: EMILIN1-related condition.

Allele frequency attached by ClinVar (database versions not stated): gnomAD exomes 0.00023; ExAC 0.00069; 1000 Genomes Project 30x 0.00172; 1000 Genomes Project 0.00200; gnomAD 0.00250; ESP Exome Variant Server 0.00268; TOPMed 0.00280.

Submission:

PreventionGenetics, part of Exact Sciences
Classification: Benign for EMILIN1-related condition. Last evaluated: 2019-12-06. Review status: no assertion criteria provided. Collection method: clinical testing. Allele origin: germline.
Comment: This variant is classified as benign based on ACMG/AMP sequence variant interpretation guidelines (Richards et al. 2015 PMID: 25741868, with internal and published modifications).